The following is an entry in ClinVar:

NM_024700.4(SNIP1):c.806T>C (p.Val269Ala)

Genes: SNIP1 (Smad nuclear interacting protein 1; minus strand), LOC126805704 (BRD4-independent group 4 enhancer GRCh37_chr1:38005292-38006491; plus strand). Cytogenetic location: 1p34.3.
Variant type: single nucleotide variant.
Coding change: c.806T>C on transcript NM_024700.4 (MANE Select); coding-DNA position 806, T replaced by C.
Protein change: p.Val269Ala; replaces valine 269 with alanine.
Molecular consequence: missense variant.
Genome position (GRCh38, 1-based): chr1:37,540,277, A>G on the plus strand (T>C on the coding strand, the complement: SNIP1 is on the minus strand). VCF-style: chr1-37540277-A-G. GRCh37 (hg19) VCF-style: chr1-38005878-A-G.
Other names: short protein forms V269A.
Identifiers: ClinVar variation 1371260 (VCV001371260.6), dbSNP rs2148112762, ClinGen allele CA339449150.

ClinVar aggregate classification (germline): Uncertain significance (1 of 4 stars; one submission).

Submission:

Labcorp Genetics (formerly Invitae), Labcorp
Classification: Uncertain significance. Last evaluated: 2022-11-15. Review status: criteria provided, single submitter. Criteria: Invitae Variant Classification Sherloc (09022015). Collection method: clinical testing. Allele origin: germline.
Comment: In summary, the available evidence is currently insufficient to determine the role of this variant in disease. Therefore, it has been classified as a Variant of Uncertain Significance. Advanced modeling of protein sequence and biophysical properties (such as structural, functional, and spatial information, amino acid conservation, physicochemical variation, residue mobility, and thermodynamic stability) performed at Invitae indicates that this missense variant is not expected to disrupt SNIP1 protein function. ClinVar contains an entry for this variant (Variation ID: 1371260). This variant has not been reported in the literature in individuals affected with SNIP1-related conditions. This variant is not present in population databases (gnomAD no frequency). This sequence change replaces valine, which is neutral and non-polar, with alanine, which is neutral and non-polar, at codon 269 of the SNIP1 protein (p.Val269Ala).